The following is an entry in ClinVar:

NM_006129.5(BMP1):c.433+15G>A

Gene: BMP1 (bone morphogenetic protein 1; plus strand). Cytogenetic location: 8p21.3.
Variant type: single nucleotide variant.
Coding change: c.433+15G>A on transcript NM_006129.5 (MANE Select); 15 bases into the intron after coding-DNA position 433, G replaced by A.
Molecular consequence: intron variant.
Genome position (GRCh38, 1-based): chr8:22,176,328, G>A. VCF-style: chr8-22176328-G-A. GRCh37 (hg19) VCF-style: chr8-22033841-G-A.
Other names: c.433+15G>A (NM_001199.4).
Identifiers: ClinVar variation 2637779 (VCV002637779.4), dbSNP rs1375851128, ClinGen allele CA580950485.

ClinVar aggregate classification (germline): Likely benign. Review status: criteria provided, multiple submitters, no conflicts (2 of 4 stars). 2 submissions from 2 submitters: Likely benign (2). Last evaluated 2026-01-16.

Allele frequency attached by ClinVar (database versions not stated): gnomAD 0.00001; gnomAD exomes below 0.00001; TOPMed below 0.00001.
gnomAD v4.1: 5 of 1,581,656 alleles (0.00032%); highest among the groups gnomAD compares: Admixed American, 0.0035%; no homozygotes.

Submissions (2):

Labcorp Genetics (formerly Invitae), Labcorp
Classification: Likely benign. Last evaluated: 2026-01-16. Review status: criteria provided, single submitter. Criteria: Invitae Variant Classification Sherloc (09022015). Collection method: clinical testing. Allele origin: germline.

Women's Health and Genetics/Laboratory Corporation of America, LabCorp
Classification: Likely benign. Last evaluated: 2023-10-17. Review status: criteria provided, single submitter. Criteria: LabCorp Variant Classification Summary - May 2015. Collection method: clinical testing. Allele origin: germline.
Comment: Variant summary: BMP1 c.433+15G>A alters a non-conserved nucleotide located at a position not widely known to affect splicing. Consensus agreement among computation tools predict no significant impact on normal splicing. However, these predictions have yet to be confirmed by functional studies. The variant allele was found at a frequency of 4.4e-06 in 225852 control chromosomes. The available data on variant occurrences in the general population are insufficient to allow any conclusion about variant significance. To our knowledge, no occurrence of c.433+15G>A in individuals affected with Osteogenesis Imperfecta and no experimental evidence demonstrating its impact on protein function have been reported. No submitters have cited clinical-significance assessments for this variant to ClinVar after 2014. Based on the evidence outlined above, the variant was classified as likely benign.